The following is an entry in ClinVar:

ClinVar aggregate classification (germline): Likely benign (1 of 4 stars; one submission).

Submission:

CeGaT Center for Human Genetics Tuebingen
Classification: Likely benign. Last evaluated: 2026-01-01. Review status: criteria provided, single submitter. Criteria: CeGaT Center For Human Genetics Tuebingen Variant Classification Criteria Version 2. Collection method: clinical testing. Allele origin: germline. Affected: yes. Observed: 1 variant allele.
Comment: DCHS1: PM2:Supporting, BP4, BP7

NM_003737.4(DCHS1):c.939G>T (p.Leu313=)

Gene: DCHS1 (dachsous cadherin-related 1; minus strand). Cytogenetic location: 11p15.4.
Variant type: single nucleotide variant.
Coding change: c.939G>T on transcript NM_003737.4 (MANE Select); coding-DNA position 939, G replaced by T.
Protein change: p.Leu313=; no amino-acid change (leucine 313 retained).
Molecular consequence: synonymous variant.
Genome position (GRCh38, 1-based): chr11:6,640,675, C>A on the plus strand (G>T on the coding strand, the complement: DCHS1 is on the minus strand). VCF-style: chr11-6640675-C-A. GRCh37 (hg19) VCF-style: chr11-6661906-C-A.
Identifiers: ClinVar variation 4823076 (VCV004823076.4).